The following is an entry in ClinVar:

NM_001042492.3(NF1):c.7420G>T (p.Asp2474Tyr)

Gene: NF1 (neurofibromin 1; plus strand). Cytogenetic location: 17q11.2.
Variant type: single nucleotide variant.
Coding change: c.7420G>T on transcript NM_001042492.3 (MANE Select); coding-DNA position 7420, G replaced by T.
Protein change: p.Asp2474Tyr; replaces aspartic acid 2474 with tyrosine.
Molecular consequence: missense variant.
Genome position (GRCh38, 1-based): chr17:31,350,281, G>T. VCF-style: chr17-31350281-G-T. GRCh37 (hg19) VCF-style: chr17-29677299-G-T.
Other names: c.7357G>T, p.Asp2453Tyr (NM_000267.4); short protein forms D2453Y, D2474Y.
Identifiers: ClinVar variation 933778 (VCV000933778.9), dbSNP rs1405212000, ClinGen allele CA399017151.

ClinVar aggregate classification (germline): Uncertain significance. Review status: criteria provided, multiple submitters, no conflicts (2 of 4 stars). 2 submissions from 2 submitters: Uncertain significance (2). Last evaluated 2023-04-25.

Conditions:
Neurofibromatosis, type 1 (NF1). Also called: VON RECKLINGHAUSEN DISEASE; Peripheral type neurofibromatosis; Neurofibromatosis, type I; NEUROFIBROMATOSIS, TYPE I, SOMATIC. Identifiers: Orphanet 636, MedGen C0027831, MONDO:0018975, OMIM 162200. Disease mechanism: loss of function.
Cardiovascular phenotype. Identifiers: MedGen CN230736.
Hereditary cancer-predisposing syndrome. Also called: Tumor predisposition; Hereditary neoplastic syndrome; Neoplastic Syndromes, Hereditary; Hereditary Cancer Syndrome. Identifiers: Orphanet 140162, MedGen C0027672, MeSH D009386, MONDO:0015356.

Submissions (2):

Labcorp Genetics (formerly Invitae), Labcorp
Classification: Uncertain significance for Neurofibromatosis, type 1. Last evaluated: 2023-04-25. Review status: criteria provided, single submitter. Criteria: Invitae Variant Classification Sherloc (09022015). Collection method: clinical testing. Allele origin: germline.
Comment: In summary, the available evidence is currently insufficient to determine the role of this variant in disease. Therefore, it has been classified as a Variant of Uncertain Significance. Advanced modeling of protein sequence and biophysical properties (such as structural, functional, and spatial information, amino acid conservation, physicochemical variation, residue mobility, and thermodynamic stability) has been performed at Invitae for this missense variant, however the output from this modeling did not meet the statistical confidence thresholds required to predict the impact of this variant on NF1 protein function. ClinVar contains an entry for this variant (Variation ID: 933778). This variant has not been reported in the literature in individuals affected with NF1-related conditions. This variant is not present in population databases (gnomAD no frequency). This sequence change replaces aspartic acid, which is acidic and polar, with tyrosine, which is neutral and polar, at codon 2453 of the NF1 protein (p.Asp2453Tyr).

Ambry Genetics
Classification: Uncertain significance for Cardiovascular phenotype; Hereditary cancer-predisposing syndrome. Last evaluated: 2022-02-24. Review status: criteria provided, single submitter. Criteria: Ambry Variant Classification Scheme 2023. Collection method: clinical testing. Allele origin: germline.
Comment: The p.D2453Y variant (also known as c.7357G>T), located in coding exon 49 of the NF1 gene, results from a G to T substitution at nucleotide position 7357. The aspartic acid at codon 2453 is replaced by tyrosine, an amino acid with highly dissimilar properties. This amino acid position is conserved. In addition, the in silico prediction for this alteration is inconclusive. Since supporting evidence is limited at this time, the clinical significance of this alteration remains unclear.